The following is an entry in ClinVar:

ClinVar aggregate classification (germline): Uncertain significance. Review status: criteria provided, multiple submitters, no conflicts (2 of 4 stars). 2 submissions from 2 submitters: Uncertain significance (2). Last evaluated 2022-11-24.

Conditions:
Hereditary cancer-predisposing syndrome. Also called: Neoplastic Syndromes, Hereditary; Tumor predisposition; Hereditary Cancer Syndrome; Hereditary neoplastic syndrome. Identifiers: Orphanet 140162, MedGen C0027672, MeSH D009386, MONDO:0015356.

Submissions (2):

Labcorp Genetics (formerly Invitae), Labcorp
Classification: Uncertain significance. Last evaluated: 2022-11-24. Review status: criteria provided, single submitter. Criteria: Invitae Variant Classification Sherloc (09022015). Collection method: clinical testing. Allele origin: germline.
Comment: This variant, c.1893_1895del, results in the deletion of 1 amino acid(s) of the CTNNA1 protein (p.Met631del), but otherwise preserves the integrity of the reading frame. This variant is not present in population databases (gnomAD no frequency). This variant has not been reported in the literature in individuals affected with CTNNA1-related conditions. Experimental studies and prediction algorithms are not available or were not evaluated, and the functional significance of this variant is currently unknown. In summary, the available evidence is currently insufficient to determine the role of this variant in disease. Therefore, it has been classified as a Variant of Uncertain Significance.

Ambry Genetics
Classification: Uncertain significance for Hereditary cancer-predisposing syndrome. Last evaluated: 2021-09-24. Review status: criteria provided, single submitter. Criteria: Ambry Variant Classification Scheme 2023. Collection method: clinical testing. Allele origin: germline.
Comment: The c.1893_1895delGAT variant (also known as p.M631del) is located in coding exon 12 of the CTNNA1 gene. This variant results from an in-frame GAT deletion at nucleotide positions 1893 to 1895. This results in the in-frame deletion of a methionine at codon 631. This amino acid position is highly conserved in available vertebrate species. In addition, this alteration is predicted to be deleterious by in silico analysis (Choi Y et al. PLoS ONE. 2012; 7(10):e46688). Since supporting evidence is limited at this time, the clinical significance of this alteration remains unclear.

NM_001903.5(CTNNA1):c.1890GAT[1] (p.Met631del)

Gene: CTNNA1 (catenin alpha 1; plus strand). Cytogenetic location: 5q31.2.
Variant type: Microsatellite.
Coding change: c.1890GAT[1] on transcript NM_001903.5 (MANE Select); one copy of the 3-base unit GAT starting at c.1890; the reference has two copies in a row; one copy, 3 bases deleted.
Protein change: p.Met631del; deletes methionine 631.
Molecular consequence: inframe deletion.
Genome position (GRCh38, 1-based): chr5:138,925,401-138,925,403, GAT deleted; deleting any 3 consecutive bases within chr5:138,925,397-138,925,403 gives the same sequence; the position shown is the placement nearest the transcript's 3' end. VCF-style (leftmost placement, unchanged base first): chr5-138925396-CTGA-C. GRCh37 (hg19) VCF-style: chr5-138261085-CTGA-C.
Other names: c.1890GAT[1], p.Met631del (NM_001290307.3, NM_001323982.2, NM_001323983.1 and 2 more transcripts); c.1581GAT[1], p.Met528del (NM_001290309.3); c.1521GAT[1], p.Met508del (NM_001290310.3); c.780GAT[1], p.Met261del (NM_001290312.1, NM_001323987.1, NM_001323988.1 and 17 more transcripts); c.1797GAT[1], p.Met600del (NM_001323986.2); c.441GAT[1], p.Met148del (NM_001324006.1, NM_001324007.1, NM_001324008.1 and 2 more transcripts); c.687GAT[1], p.Met230del (NM_001324011.1); c.537GAT[1], p.Met180del (NM_001324012.1, NM_001324013.1); short protein forms M528del, M600del, M148del, M230del, M261del, M631del, M180del, M508del.
Identifiers: ClinVar variation 1782098 (VCV001782098.7), dbSNP rs2533737474, ClinGen allele CA2580613676.